The following is an entry in ClinVar:

NM_003705.5(SLC25A12):c.968T>C (p.Ile323Thr)

Gene: SLC25A12 (solute carrier family 25 member 12; minus strand). Cytogenetic location: 2q31.1.
Variant type: single nucleotide variant.
Coding change: c.968T>C on transcript NM_003705.5 (MANE Select); coding-DNA position 968, T replaced by C.
Protein change: p.Ile323Thr; replaces isoleucine 323 with threonine.
Molecular consequence: missense variant. On other transcripts: non-coding transcript variant (1).
Genome position (GRCh38, 1-based): chr2:171,815,165, A>G on the plus strand (T>C on the coding strand, the complement: SLC25A12 is on the minus strand). VCF-style: chr2-171815165-A-G. GRCh37 (hg19) VCF-style: chr2-172671675-A-G.
Other names: short protein forms I323T.
Identifiers: ClinVar variation 1525855 (VCV001525855.7), dbSNP rs2105864919, ClinGen allele CA349290511.

ClinVar aggregate classification (germline): Uncertain significance (1 of 4 stars; one submission).

Allele frequency attached by ClinVar (database versions not stated): gnomAD exomes below 0.00001.
gnomAD v4.1: 3 of 1,613,912 alleles (0.00019%); highest among the groups gnomAD compares: Non-Finnish European, 0.00017%; no homozygotes.

Submission:

Labcorp Genetics (formerly Invitae), Labcorp
Classification: Uncertain significance. Last evaluated: 2021-04-13. Review status: criteria provided, single submitter. Criteria: Invitae Variant Classification Sherloc (09022015). Collection method: clinical testing. Allele origin: germline.
Comment: In summary, the available evidence is currently insufficient to determine the role of this variant in disease. Therefore, it has been classified as a Variant of Uncertain Significance. Algorithms developed to predict the effect of missense changes on protein structure and function (SIFT, PolyPhen-2, Align-GVGD) all suggest that this variant is likely to be tolerated, but these predictions have not been confirmed by published functional studies and their clinical significance is uncertain. This variant has not been reported in the literature in individuals with SLC25A12-related conditions. This variant is not present in population databases (ExAC no frequency). This sequence change replaces isoleucine with threonine at codon 323 of the SLC25A12 protein (p.Ile323Thr). The isoleucine residue is weakly conserved and there is a moderate physicochemical difference between isoleucine and threonine.